The following is an entry in ClinVar:

NM_005097.4(LGI1):c.432G>T (p.Leu144Phe)

Gene: LGI1 (leucine rich glioma inactivated 1; plus strand). Cytogenetic location: 10q23.33.
Variant type: single nucleotide variant.
Coding change: c.432G>T on transcript NM_005097.4 (MANE Select); coding-DNA position 432, G replaced by T.
Protein change: p.Leu144Phe; replaces leucine 144 with phenylalanine.
Molecular consequence: missense variant. On other transcripts: non-coding transcript variant (1).
Genome position (GRCh38, 1-based): chr10:93,790,099, G>T. VCF-style: chr10-93790099-G-T. GRCh37 (hg19) VCF-style: chr10-95549856-G-T.
Other names: c.432G>T, p.Leu144Phe (NM_001308275.2); c.288G>T, p.Leu96Phe (NM_001308276.2); short protein forms L144F, L96F.
Identifiers: ClinVar variation 959805 (VCV000959805.11), dbSNP rs920223409, ClinGen allele CA377621942.
Genomic context (GRCh38, chr10:93,790,099, plus strand): 5'-TAAATGCCTTTGTTTAATTTATCACTACAGTTTACATCACCTTTTTTTTTTTTTTTCCAG[G>T]AGCCTTGCAAACAACAATCTCCAGACACTCCCAAAAGATATTTTCAAAGGCCTGGATTCT-3'
Protein context (NP_005088.1, residues 134-154): TFRGLKSLIH[Leu144Phe]SLANNNLQTL

ClinVar aggregate classification (germline): Uncertain significance (1 of 4 stars; one submission).

Conditions:
Autosomal dominant epilepsy with auditory features. Identifiers: Orphanet 101046, MedGen C1838062, MONDO:0010898.

Submission:

Labcorp Genetics (formerly Invitae), Labcorp
Classification: Uncertain significance for Autosomal dominant epilepsy with auditory features. Last evaluated: 2019-10-28. Review status: criteria provided, single submitter. Criteria: Invitae Variant Classification Sherloc (09022015). Collection method: clinical testing. Allele origin: germline.
Comment: This variant is not present in population databases (ExAC no frequency). In summary, the available evidence is currently insufficient to determine the role of this variant in disease. Therefore, it has been classified as a Variant of Uncertain Significance. Algorithms developed to predict the effect of sequence changes on RNA splicing suggest that this variant may disrupt the consensus splice site, but this prediction has not been confirmed by published transcriptional studies. Algorithms developed to predict the effect of missense changes on protein structure and function are either unavailable or do not agree on the potential impact of this missense change (SIFT: "Tolerated"; PolyPhen-2: "Probably Damaging"; Align-GVGD: "Class C0"). This variant has not been reported in the literature in individuals with LGI1-related conditions. This sequence change replaces leucine with phenylalanine at codon 144 of the LGI1 protein (p.Leu144Phe). The leucine residue is highly conserved and there is a small physicochemical difference between leucine and phenylalanine.